The following is an entry in ClinVar:

ClinVar aggregate classification (germline): Pathogenic (1 of 4 stars; one submission).

Submission:

GeneDx
Classification: Pathogenic. Last evaluated: 2026-04-09. Review status: criteria provided, single submitter. Criteria: GeneDx Variant Classification Process June 2021. Collection method: clinical testing. Allele origin: germline.
Comment: Nonsense variant predicted to result in protein truncation or nonsense mediated decay in a gene for which loss of function is a known mechanism of disease; Not observed at significant frequency in large population cohorts (gnomAD); Has not been previously published as pathogenic or benign to our knowledge

NM_004789.4(LHX2):c.159C>A (p.Cys53Ter)

Gene: LHX2 (LIM homeobox 2; plus strand). Cytogenetic location: 9q33.3.
Variant type: single nucleotide variant.
Coding change: c.159C>A on transcript NM_004789.4 (MANE Select); coding-DNA position 159, C replaced by A.
Protein change: p.Cys53Ter; replaces cysteine 53 with a stop codon.
Molecular consequence: nonsense.
Genome position (GRCh38, 1-based): chr9:124,013,999, C>A. VCF-style: chr9-124013999-C-A. GRCh37 (hg19) VCF-style: chr9-126776278-C-A.
Other names: short protein forms C53*.
Identifiers: ClinVar variation 5036912 (VCV005036912.1).